The following is an entry in ClinVar:

NM_001378418.1(TCF20):c.847G>C (p.Ala283Pro)

Gene: TCF20 (transcription factor 20; minus strand). Cytogenetic location: 22q13.2.
Variant type: single nucleotide variant.
Coding change: c.847G>C on transcript NM_001378418.1 (MANE Select); coding-DNA position 847, G replaced by C.
Protein change: p.Ala283Pro; replaces alanine 283 with proline.
Molecular consequence: missense variant.
Genome position (GRCh38, 1-based): chr22:42,214,459, C>G on the plus strand (G>C on the coding strand, the complement: TCF20 is on the minus strand). VCF-style: chr22-42214459-C-G. GRCh37 (hg19) VCF-style: chr22-42610465-C-G.
Other names: c.847G>C, p.Ala283Pro (NM_005650.4, NM_181492.3); short protein forms A283P.
Identifiers: ClinVar variation 2804755 (VCV002804755.3), dbSNP rs753556372, ClinGen allele CA10267288.

ClinVar aggregate classification (germline): Uncertain significance (1 of 4 stars; one submission).

Allele frequency attached by ClinVar (database versions not stated): ExAC 0.00001; gnomAD 0.00001.
gnomAD v4.1: 4 of 1,614,020 alleles (0.00025%); highest among the groups gnomAD compares: African/African-American, 0.0013%; no homozygotes.

Submission:

Labcorp Genetics (formerly Invitae), Labcorp
Classification: Uncertain significance. Last evaluated: 2022-11-11. Review status: criteria provided, single submitter. Criteria: Invitae Variant Classification Sherloc (09022015). Collection method: clinical testing. Allele origin: germline.
Comment: This variant has not been reported in the literature in individuals affected with TCF20-related conditions. This sequence change replaces alanine, which is neutral and non-polar, with proline, which is neutral and non-polar, at codon 283 of the TCF20 protein (p.Ala283Pro). This variant is present in population databases (rs753556372, gnomAD 0.002%). Algorithms developed to predict the effect of missense changes on protein structure and function are either unavailable or do not agree on the potential impact of this missense change (SIFT: "Tolerated"; PolyPhen-2: "Possibly Damaging"; Align-GVGD: "Class C0"). In summary, the available evidence is currently insufficient to determine the role of this variant in disease. Therefore, it has been classified as a Variant of Uncertain Significance.